The following is an entry in ClinVar:

NM_139162.4(MIEF2):c.1028G>A (p.Arg343Gln)

Gene: MIEF2 (mitochondrial elongation factor 2; plus strand). Cytogenetic location: 17p11.2.
Variant type: single nucleotide variant.
Coding change: c.1028G>A on transcript NM_139162.4 (MANE Select); coding-DNA position 1028, G replaced by A.
Protein change: p.Arg343Gln; replaces arginine 343 with glutamine.
Molecular consequence: missense variant. On other transcripts: 3 prime UTR variant (1).
Genome position (GRCh38, 1-based): chr17:18,264,427, G>A. VCF-style: chr17-18264427-G-A. GRCh37 (hg19) VCF-style: chr17-18167741-G-A.
Other names: c.*336G>A (NM_001144900.3); c.1061G>A, p.Arg354Gln (NM_148886.2); short protein forms R343Q, R354Q.
Identifiers: ClinVar variation 1694832 (VCV001694832.31), dbSNP rs140019061, ClinGen allele CA8429362.
Genomic context (GRCh38, chr17:18,264,427, plus strand): 5'-AGGGGCTGGCGGGGAACCTCTGGCTGCAGGACCTGTATCCAGTGGAGGCTGCTAGGCTGC[G>A]AGCCCTGGACGACCATGACGCTGGGACTCGCCGGCGGCTGCTGCTGCTGCTGTGTGCTGT-3'
Protein context (NP_631901.2, residues 333-353): DLYPVEAARL[Arg343Gln]ALDDHDAGTR

ClinVar aggregate classification (germline): Likely benign (1 of 4 stars; one submission).

Allele frequency attached by ClinVar (database versions not stated): 1000 Genomes Project 30x 0.00125; 1000 Genomes Project 0.00160; ESP Exome Variant Server 0.00246; TOPMed 0.00246; gnomAD 0.00291 and 0.00294; gnomAD exomes 0.00346; ExAC 0.00379.
gnomAD v4.1: 5,118 of 1,601,104 alleles (0.32%); highest among the groups gnomAD compares: Admixed American, 0.42%; 13 homozygotes.

Submission:

CeGaT Center for Human Genetics Tuebingen
Classification: Likely benign. Last evaluated: 2025-02-01. Review status: criteria provided, single submitter. Criteria: CeGaT Center For Human Genetics Tuebingen Variant Classification Criteria Version 2. Collection method: clinical testing. Allele origin: germline. Affected: yes. Observed: 8 variant alleles.
Comment: MIEF2: BP4, BS2